The following is an entry in ClinVar:

ClinVar aggregate classification (germline): Pathogenic. Review status: reviewed by expert panel (3 of 4 stars). 2 submissions from 2 submitters: Pathogenic (1). 1 of the submissions does not count toward it. Last evaluated 2019-09-29.

Conditions:
Phenylketonuria (PKU). Also called: Phenylketonuria (PKU); FOLLING DISEASE; OLIGOPHRENIA PHENYLPYRUVICA; Phenylketonurias. Identifiers: Orphanet 716, MedGen C0031485, MONDO:0009861, OMIM 261600. Disease mechanism: loss of function.

Submissions (2):

ClinGen PAH Variant Curation Expert Panel
Classification: Pathogenic for Phenylketonuria. Last evaluated: 2019-09-29. Review status: reviewed by expert panel. Criteria: ClinGen PAH ACMG Specifications v1. Collection method: curation. Allele origin: germline. Inheritance: Autosomal recessive inheritance.
Comment: The c.169G>T (p.Glu57Ter) variant in PAH has been previously reported Likely Pathogenic by one clinical laboratory in ClinVar (see variant ID 120268); the collection method is stated as 'literature only' and no further information is provided. With respect to the published literature, it has been previously reported in one proband with classic PKU (defined by the authors as plasma phenylalanine levels > 1200umol/L) (PMID: 26666653) (PP4). The proband was said to be heterozygous for the variant and also harbor the known pathogenic allele (per ClinGen PAH working group classification, see ClinVar ID 636) c.194T>C (p.Ile65Thr); however, the manuscript did not specify whether the phase of the variants was confirmed via parental testing. Thus, at this point, PM3 cannot be applied with full confidence. The sequence change results in a nonsense variant which occurs in exon 3 of 13 in the in the canonical transcript of PAH, a gene fulfilling the most recent criteria for LOF being a known disease mechanism (see PMID: 30192042) (PVS1). It is present at extremely low frequencies in control databases including ethnically matched individuals, including gnomAD/ExAC, 1000 Genomes, and ESP: the highest MAF reported is 0.00014 in Other subpopulation in gnomAD, below the 0.0002 allele frequency cutoff for PAH variants (PM2).

Inserm U 954, Faculté de Médecine de Nancy
Classification: Likely pathogenic for Phenylketonuria. Review status: no assertion criteria provided. Collection method: not provided. Allele origin: unknown. Not counted in ClinVar's aggregate classification.
ClinVar note: Converted during submission from probable-pathogenic to Likely pathogenic.

Literature cited by the submitters: PubMed 26666653 (cited by ClinGen PAH Variant Curation Expert Panel).

NM_000277.3(PAH):c.169G>T (p.Glu57Ter)

Gene: PAH (phenylalanine hydroxylase; minus strand). Cytogenetic location: 12q23.2.
Variant type: single nucleotide variant.
Coding change: c.169G>T on transcript NM_000277.3 (MANE Select); coding-DNA position 169, G replaced by T.
Protein change: p.Glu57Ter; replaces glutamic acid 57 with a stop codon.
Molecular consequence: nonsense.
Genome position (GRCh38, 1-based): chr12:102,894,918, C>A on the plus strand (G>T on the coding strand, the complement: PAH is on the minus strand). VCF-style: chr12-102894918-C-A. GRCh37 (hg19) VCF-style: chr12-103288696-C-A.
Other names: c.169G>T, p.Glu57Ter (NM_001354304.2); short protein forms E57*.
Identifiers: ClinVar variation 120268 (VCV000120268.3), dbSNP rs140945592, ClinGen allele CA267642.